The following is an entry in ClinVar:

ClinVar aggregate classification (germline): Uncertain significance (1 of 4 stars; one submission).

Conditions:
Atrial fibrillation, familial, 6 (ATFB6). Identifiers: MedGen C2677294, MONDO:0012816, OMIM 612201.

Allele frequency attached by ClinVar (database versions not stated): TOPMed below 0.00001; gnomAD 0.00001.

Submission:

Labcorp Genetics (formerly Invitae), Labcorp
Classification: Uncertain significance for Atrial fibrillation, familial, 6. Last evaluated: 2022-08-15. Review status: criteria provided, single submitter. Criteria: Invitae Variant Classification Sherloc (09022015). Collection method: clinical testing. Allele origin: germline.
Comment: This variant has not been reported in the literature in individuals affected with NPPA-related conditions. This variant is not present in population databases (gnomAD no frequency). This sequence change replaces serine, which is neutral and polar, with asparagine, which is neutral and polar, at codon 75 of the NPPA protein (p.Ser75Asn). ClinVar contains an entry for this variant (Variation ID: 1500523). In summary, the available evidence is currently insufficient to determine the role of this variant in disease. Therefore, it has been classified as a Variant of Uncertain Significance. Algorithms developed to predict the effect of missense changes on protein structure and function output the following: SIFT: "Tolerated"; PolyPhen-2: "Benign"; Align-GVGD: "Class C0". The asparagine amino acid residue is found in multiple mammalian species, which suggests that this missense change does not adversely affect protein function.

NM_006172.4(NPPA):c.224G>A (p.Ser75Asn)

Genes: NPPA (natriuretic peptide A; minus strand), NPPA-AS1 (NPPA antisense RNA 1; plus strand), LOC114827827 (VISTA enhancer hs2123; plus strand). Cytogenetic location: 1p36.22.
Variant type: single nucleotide variant.
Coding change: c.224G>A on transcript NM_006172.4 (MANE Select); coding-DNA position 224, G replaced by A.
Protein change: p.Ser75Asn; replaces serine 75 with asparagine.
Molecular consequence: missense variant.
Genome position (GRCh38, 1-based): chr1:11,847,339, C>T on the plus strand (G>A on the coding strand, the complement: NPPA is on the minus strand). VCF-style: chr1-11847339-C-T. GRCh37 (hg19) VCF-style: chr1-11907396-C-T.
Other names: short protein forms S75N.
Identifiers: ClinVar variation 1500523 (VCV001500523.8), dbSNP rs1278794912, ClinGen allele CA338451007.
Genomic context (GRCh38, chr1:11,847,339, plus strand): 5'-CCTCCATCTCTCTGGGCTGGGCTGACTTCCCCGGTCCAGGGAGGCACCTCAGGGAGGGGG[C>T]TGAGAGCAGCCCCCGCTTCTTCATTCGGCTCACTGAGCACTTGTGGGGGCACGACCTCAT-3'
Protein context (NP_006163.1, residues 65-85): EPNEEAGAAL[Ser75Asn]PLPEVPPWTG